The following is an entry in ClinVar:

NM_001365536.1(SCN9A):c.3561G>C (p.Lys1187Asn)

Genes: SCN1A-AS1 (SCN1A and SCN9A antisense RNA 1; plus strand), SCN9A (sodium voltage-gated channel alpha subunit 9; minus strand). Cytogenetic location: 2q24.3.
Variant type: single nucleotide variant.
Coding change: c.3561G>C on transcript NM_001365536.1 (MANE Select); coding-DNA position 3561, G replaced by C.
Protein change: p.Lys1187Asn; replaces lysine 1187 with asparagine.
Molecular consequence: missense variant.
Genome position (GRCh38, 1-based): chr2:166,242,568, C>G on the plus strand (G>C on the coding strand, the complement: SCN9A is on the minus strand). VCF-style: chr2-166242568-C-G. GRCh37 (hg19) VCF-style: chr2-167099078-C-G.
Other names: c.3528G>C, p.Lys1176Asn (NM_002977.4); short protein forms K1176N, K1187N.
Identifiers: ClinVar variation 538460 (VCV000538460.11), dbSNP rs199791077, ClinGen allele CA1944030.

ClinVar aggregate classification (germline): Conflicting classifications of pathogenicity. Review status: criteria provided, conflicting classifications (1 of 4 stars). 2 submissions from 2 submitters: Uncertain significance (1); Likely benign (1). Last evaluated 2026-07-07.

Conditions:
Generalized epilepsy with febrile seizures plus, type 7 (GEFSP7). Also called: GEFS+, TYPE 7. Identifiers: Orphanet 36387, MedGen C2751778, MONDO:0013470, OMIM 613863.
Neuropathy, hereditary sensory and autonomic, type 2A (HSAN2A). Also called: ACROOSTEOLYSIS, GIACCAI TYPE; ACROOSTEOLYSIS, NEUROGENIC; WNK1-Related HSAN2 (HSAN2A); HSAN IIA; MORVAN DISEASE; NEUROPATHY, CONGENITAL SENSORY. Identifiers: Orphanet 970, MedGen C2752089, MONDO:0024309, OMIM 201300.
SCN9A-related disorder. Also called: SCN9A-related disorders; SCN9A-related condition.

Allele frequency attached by ClinVar (database versions not stated): gnomAD exomes 0.00006; TOPMed 0.00009; gnomAD 0.00011; ExAC 0.00015; 1000 Genomes Project 30x 0.00016; ESP Exome Variant Server 0.00016; 1000 Genomes Project 0.00020.
gnomAD v4.1: 35 of 1,582,598 alleles (0.0022%); highest among the groups gnomAD compares: African/African-American, 0.036%; no homozygotes.

Submissions (2):

PreventionGenetics, part of Exact Sciences
Classification: Uncertain significance for SCN9A-related condition. Last evaluated: 2026-07-07. Review status: criteria provided, single submitter. Criteria: ACMG Guidelines, 2015. Collection method: clinical testing. Allele origin: germline.
Comment: The SCN9A c.3528G>C variant is predicted to result in the amino acid substitution p.Lys1176Asn. To our knowledge, this variant has not been reported in the literature. This variant is reported in 0.034% of alleles in individuals of African descent in gnomAD. At this time, the clinical significance of this variant is uncertain due to the absence of conclusive functional and genetic evidence.

Labcorp Genetics (formerly Invitae), Labcorp
Classification: Likely benign for Neuropathy, hereditary sensory and autonomic, type 2A; Generalized epilepsy with febrile seizures plus, type 7. Last evaluated: 2024-08-11. Review status: criteria provided, single submitter. Criteria: Invitae Variant Classification Sherloc (09022015). Collection method: clinical testing. Allele origin: germline.